The following is an entry in ClinVar:

ClinVar aggregate classification (germline): Uncertain significance (1 of 4 stars; one submission).

Conditions:
FREM1-related disorder. Also called: FREM1-related condition; FREM1-Related Disorders.

Allele frequency attached by ClinVar (database versions not stated): TOPMed below 0.00001.

Submission:

PreventionGenetics, part of Exact Sciences
Classification: Uncertain significance for FREM1-related condition. Last evaluated: 2022-10-01. Review status: criteria provided, single submitter. Criteria: ACMG Guidelines, 2015. Collection method: clinical testing. Allele origin: germline.
Comment: The FREM1 c.1711A>G variant is predicted to result in the amino acid substitution p.Met571Val. To our knowledge, this variant has not been reported in the literature or in a large population database, indicating this variant is rare. At this time, the clinical significance of this variant is uncertain due to the absence of conclusive functional and genetic evidence.

NM_001379081.2(FREM1):c.1711A>G (p.Met571Val)

Gene: FREM1 (FRAS1 related extracellular matrix 1; minus strand). Cytogenetic location: 9p22.3.
Variant type: single nucleotide variant.
Coding change: c.1711A>G on transcript NM_001379081.2 (MANE Select); coding-DNA position 1711, A replaced by G.
Protein change: p.Met571Val; replaces methionine 571 with valine.
Molecular consequence: missense variant. On other transcripts: non-coding transcript variant (2).
Genome position (GRCh38, 1-based): chr9:14,842,343, T>C on the plus strand (A>G on the coding strand, the complement: FREM1 is on the minus strand). VCF-style: chr9-14842343-T-C. GRCh37 (hg19) VCF-style: chr9-14842341-T-C.
Other names: c.1711A>G, p.Met571Val (NM_144966.7); short protein forms M571V.
Identifiers: ClinVar variation 2637412 (VCV002637412.1), dbSNP rs1825835462, ClinGen allele CA372959952.